The following is an entry in ClinVar:

ClinVar aggregate classification (germline): Uncertain significance. Review status: criteria provided, multiple submitters, no conflicts (2 of 4 stars). 3 submissions from 3 submitters: Uncertain significance (3). Last evaluated 2024-08-27.

Conditions:
Bardet-Biedl syndrome (BBS). Identifiers: Orphanet 110, MedGen C0752166, MONDO:0015229.
Inborn genetic diseases. Identifiers: MedGen C0950123, MeSH D030342.

Allele frequency attached by ClinVar (database versions not stated): gnomAD exomes below 0.00001 and 0.00002.
gnomAD v4.1: 31 of 1,614,058 alleles (0.0019%); highest among the groups gnomAD compares: Non-Finnish European, 0.0025%; no homozygotes.

Submissions (3):

Ambry Genetics
Classification: Uncertain significance for Inborn genetic diseases. Last evaluated: 2024-08-27. Review status: criteria provided, single submitter. Criteria: Ambry Variant Classification Scheme 2023. Collection method: clinical testing. Allele origin: germline.

Labcorp Genetics (formerly Invitae), Labcorp
Classification: Uncertain significance for Bardet-Biedl syndrome. Last evaluated: 2022-04-25. Review status: criteria provided, single submitter. Criteria: Invitae Variant Classification Sherloc (09022015). Collection method: clinical testing. Allele origin: germline.
Comment: This sequence change replaces alanine, which is neutral and non-polar, with threonine, which is neutral and polar, at codon 94 of the TRIM32 protein (p.Ala94Thr). This variant is present in population databases (no rsID available, gnomAD 0.0009%). This variant has not been reported in the literature in individuals affected with TRIM32-related conditions. ClinVar contains an entry for this variant (Variation ID: 859588). Algorithms developed to predict the effect of missense changes on protein structure and function (SIFT, PolyPhen-2, Align-GVGD) all suggest that this variant is likely to be tolerated. In summary, the available evidence is currently insufficient to determine the role of this variant in disease. Therefore, it has been classified as a Variant of Uncertain Significance.

Revvity Omics, Revvity
Classification: Uncertain significance. Last evaluated: 2020-12-16. Review status: criteria provided, single submitter. Criteria: ACMG Guidelines, 2015. Collection method: clinical testing. Allele origin: germline.

NM_012210.4(TRIM32):c.280G>A (p.Ala94Thr)

Genes: ASTN2 (astrotactin 2; minus strand), TRIM32 (tripartite motif containing 32; plus strand). Cytogenetic location: 9q33.1.
Variant type: single nucleotide variant.
Coding change: c.280G>A on transcript NM_012210.4 (MANE Select); coding-DNA position 280, G replaced by A.
Protein change: p.Ala94Thr; replaces alanine 94 with threonine.
Molecular consequence: missense variant. On other transcripts: intron variant (3).
Genome position (GRCh38, 1-based): chr9:116,698,022, G>A. VCF-style: chr9-116698022-G-A. GRCh37 (hg19) VCF-style: chr9-119460301-G-A.
Other names: c.280G>A, p.Ala94Thr (NM_001379048.1, NM_001379049.1, NM_001379050.1 and 1 more transcripts); c.2653+27749C>T (NM_014010.5); c.2794+27749C>T (NM_001365069.1); c.2806+27749C>T (NM_001365068.1); short protein forms A94T.
Identifiers: ClinVar variation 859588 (VCV000859588.8), dbSNP rs1231169096, ClinGen allele CA374647958.